The following is an entry in ClinVar:

NM_017654.4(SAMD9):c.3723T>A (p.Asp1241Glu)

Gene: SAMD9 (sterile alpha motif domain containing 9; minus strand). Cytogenetic location: 7q21.2.
Variant type: single nucleotide variant.
Coding change: c.3723T>A on transcript NM_017654.4 (MANE Select); coding-DNA position 3723, T replaced by A.
Protein change: p.Asp1241Glu; replaces aspartic acid 1241 with glutamic acid.
Molecular consequence: missense variant.
Genome position (GRCh38, 1-based): chr7:93,102,375, A>T on the plus strand (T>A on the coding strand, the complement: SAMD9 is on the minus strand). VCF-style: chr7-93102375-A-T. GRCh37 (hg19) VCF-style: chr7-92731688-A-T.
Other names: c.3723T>A, p.Asp1241Glu (NM_001193307.2); c.3723T>A (NM_017654.3); short protein forms D1241E.
Identifiers: ClinVar variation 2748524 (VCV002748524.4), dbSNP rs1457341763, ClinGen allele CA368183236.

ClinVar aggregate classification (germline): Uncertain significance. Review status: criteria provided, multiple submitters, no conflicts (2 of 4 stars). 2 submissions from 2 submitters: Uncertain significance (2). Last evaluated 2025-02-08.

Conditions:
Inborn genetic diseases. Identifiers: MedGen C0950123, MeSH D030342.

Submissions (2):

Ambry Genetics
Classification: Uncertain significance for Inborn genetic diseases. Last evaluated: 2025-02-08. Review status: criteria provided, single submitter. Criteria: Ambry Variant Classification Scheme 2023. Collection method: clinical testing. Allele origin: germline.
Comment: The p.D1241E variant (also known as c.3723T>A), located in coding exon 1 of the SAMD9 gene, results from a T to A substitution at nucleotide position 3723. The aspartic acid at codon 1241 is replaced by glutamic acid, an amino acid with highly similar properties. This amino acid position is conserved. In addition, this alteration is predicted to be tolerated by in silico analysis. Based on the available evidence, the clinical significance of this variant remains unclear.

Labcorp Genetics (formerly Invitae), Labcorp
Classification: Uncertain significance. Last evaluated: 2023-07-30. Review status: criteria provided, single submitter. Criteria: Invitae Variant Classification Sherloc (09022015). Collection method: clinical testing. Allele origin: germline.
Comment: This sequence change replaces aspartic acid, which is acidic and polar, with glutamic acid, which is acidic and polar, at codon 1241 of the SAMD9 protein (p.Asp1241Glu). This variant is not present in population databases (gnomAD no frequency). In summary, the available evidence is currently insufficient to determine the role of this variant in disease. Therefore, it has been classified as a Variant of Uncertain Significance. Advanced modeling of protein sequence and biophysical properties (such as structural, functional, and spatial information, amino acid conservation, physicochemical variation, residue mobility, and thermodynamic stability) performed at Invitae indicates that this missense variant is not expected to disrupt SAMD9 protein function. This variant has not been reported in the literature in individuals affected with SAMD9-related conditions.